The following is an entry in ClinVar:

ClinVar aggregate classification (germline): Uncertain significance (1 of 4 stars; one submission).

Conditions:
Autosomal dominant polycystic kidney disease. Identifiers: Orphanet 730, MedGen C0085413, MONDO:0004691.

Submission:

Labcorp Genetics (formerly Invitae), Labcorp
Classification: Uncertain significance for Autosomal dominant polycystic kidney disease. Last evaluated: 2025-05-27. Review status: criteria provided, single submitter. Criteria: Invitae Variant Classification Sherloc (09022015). Collection method: clinical testing. Allele origin: germline.
Comment: This sequence change replaces isoleucine, which is neutral and non-polar, with valine, which is neutral and non-polar, at codon 644 of the PKD2 protein (p.Ile644Val). This variant is not present in population databases (gnomAD no frequency). This variant has not been reported in the literature in individuals affected with PKD2-related conditions. Invitae Evidence Modeling of protein sequence and biophysical properties (such as structural, functional, and spatial information, amino acid conservation, physicochemical variation, residue mobility, and thermodynamic stability) indicates that this missense variant is not expected to disrupt PKD2 protein function with a negative predictive value of 80%. In summary, the available evidence is currently insufficient to determine the role of this variant in disease. Therefore, it has been classified as a Variant of Uncertain Significance.

NM_000297.4(PKD2):c.1930A>G (p.Ile644Val)

Gene: PKD2 (polycystin 2, transient receptor potential cation channel; plus strand). Cytogenetic location: 4q22.1.
Variant type: single nucleotide variant.
Coding change: c.1930A>G on transcript NM_000297.4 (MANE Select); coding-DNA position 1930, A replaced by G.
Protein change: p.Ile644Val; replaces isoleucine 644 with valine.
Molecular consequence: missense variant.
Genome position (GRCh38, 1-based): chr4:88,058,014, A>G. VCF-style: chr4-88058014-A-G. GRCh37 (hg19) VCF-style: chr4-88979166-A-G.
Other names: c.1705A>G, p.Ile569Val (NM_001440544.1); short protein forms I644V, I569V.
Identifiers: ClinVar variation 4746512 (VCV004746512.1).